The following is an entry in ClinVar:

NM_005154.5(USP8):c.1551G>A (p.Lys517=)

Gene: USP8 (ubiquitin specific peptidase 8; plus strand). Cytogenetic location: 15q21.2.
Variant type: single nucleotide variant.
Coding change: c.1551G>A on transcript NM_005154.5 (MANE Select); coding-DNA position 1551, G replaced by A.
Protein change: p.Lys517=; no amino-acid change (lysine 517 retained).
Molecular consequence: synonymous variant.
Genome position (GRCh38, 1-based): chr15:50,481,813, G>A. VCF-style: chr15-50481813-G-A. GRCh37 (hg19) VCF-style: chr15-50774010-G-A.
Other names: c.1551G>A, p.Lys517= (NM_001128610.3); c.1320G>A, p.Lys440= (NM_001283049.2).
Identifiers: ClinVar variation 2645328 (VCV002645328.24), dbSNP rs2541964294, ClinGen allele CA490561604.

ClinVar aggregate classification (germline): Likely benign (1 of 4 stars; one submission).

Submission:

CeGaT Center for Human Genetics Tuebingen
Classification: Likely benign. Last evaluated: 2022-08-01. Review status: criteria provided, single submitter. Criteria: CeGaT Center For Human Genetics Tuebingen Variant Classification Criteria Version 2. Collection method: clinical testing. Allele origin: germline. Affected: yes. Observed: 1 variant allele.
Comment: USP8: PM2:Supporting, BP4, BP7